The following is an entry in ClinVar:

NM_021098.3(CACNA1H):c.3422_3442del (p.Arg1141_Ser1147del)

Gene: CACNA1H (calcium voltage-gated channel subunit alpha1 H; plus strand). Cytogenetic location: 16p13.3.
Variant type: Deletion.
Coding change: c.3422_3442del on transcript NM_021098.3 (MANE Select); coding-DNA positions 3422 to 3442, 21 bases deleted (GGCGCTCCAGCTGGAGCAGCC).
Protein change: p.Arg1141_Ser1147del.
Molecular consequence: inframe deletion.
Genome position (GRCh38, 1-based): chr16:1,209,090-1,209,110, GGCGCTCCAGCTGGAGCAGCC deleted; deleting any 21 consecutive bases within chr16:1,209,079-1,209,110 gives the same sequence; the c. name uses the placement nearest the transcript's 3' end. VCF-style (leftmost placement, unchanged base first): chr16-1209078-CCTGGAGCAGCCGGCGCTCCAG-C. GRCh37 (hg19) VCF-style: chr16-1259078-CCTGGAGCAGCCGGCGCTCCAG-C.
Other names: c.3422_3442del (NM_021098.2); c.3422_3442del, p.Arg1141_Ser1147del (NM_001005407.2).
Identifiers: ClinVar variation 460087 (VCV000460087.10), dbSNP rs746597383, ClinGen allele CA7800763.

ClinVar aggregate classification (germline): Uncertain significance. Review status: criteria provided, multiple submitters, no conflicts (2 of 4 stars). 2 submissions from 2 submitters: Uncertain significance (2). Last evaluated 2025-06-13.

Conditions:
Hyperaldosteronism, familial, type IV (HALD4). Also called: FH IV; ALDOSTERONISM, PRIMARY, AND HYPERTENSION. Identifiers: Orphanet 642671, MedGen C4310756, MONDO:0014875, OMIM 617027.
Idiopathic generalized epilepsy. Also called: EIG; Generalised epilepsy. Identifiers: MedGen C0270850, MONDO:0005579, OMIM 600669.
Epilepsy, childhood absence, susceptibility to, 6. Identifiers: Orphanet 64280, MedGen C2749872, MONDO:0012763, OMIM 611942.

Submissions (2):

Labcorp Genetics (formerly Invitae), Labcorp
Classification: Uncertain significance for Idiopathic generalized epilepsy; Hyperaldosteronism, familial, type IV. Last evaluated: 2025-06-13. Review status: criteria provided, single submitter. Criteria: Invitae Variant Classification Sherloc (09022015). Collection method: clinical testing. Allele origin: germline.
Comment: This variant, c.3422_3442del, results in the deletion of 7 amino acid(s) of the CACNA1H protein (p.Arg1141_Ser1147del), but otherwise preserves the integrity of the reading frame. This variant is present in population databases (rs754765356, gnomAD 0.02%), including at least one homozygous and/or hemizygous individual. This variant has not been reported in the literature in individuals affected with CACNA1H-related conditions. ClinVar contains an entry for this variant (Variation ID: 460087). Experimental studies and prediction algorithms are not available or were not evaluated, and the functional significance of this variant is currently unknown. In summary, the available evidence is currently insufficient to determine the role of this variant in disease. Therefore, it has been classified as a Variant of Uncertain Significance.

Fulgent Genetics
Classification: Uncertain significance for Epilepsy, childhood absence, susceptibility to, 6; Hyperaldosteronism, familial, type IV. Last evaluated: 2024-03-07. Review status: criteria provided, single submitter. Criteria: ACMG Guidelines, 2015. Collection method: clinical testing. Allele origin: germline.